The following is an entry in ClinVar:

GRCh37/hg19 Xq22.2(chrX:102967297-103038606)x0

Genes: TMEM31 (transmembrane protein 31; plus strand), PLP1 (proteolipid protein 1; plus strand). Cytogenetic location: Xq22.2.
Variant type: copy number loss.
Change: copy number 0 of chrX:102,967,297-103,038,606 (71.3 kb, GRCh37 coordinates, 1-based), cytogenetic band Xq22.2.
Identifiers: ClinVar variation 691852 (VCV000691852.2).

ClinVar aggregate classification (germline): Pathogenic (0 of 4 stars; one submission).

Conditions:
Hereditary spastic paraplegia 2 (SPG2). Also called: Spastic Paraplegia 2 (SPG2); SPASTIC PARAPLEGIA 2, X-LINKED. Identifiers: Orphanet 99015, MedGen C0751604, MONDO:0010733, OMIM 312920.

Submission:

Lupski Lab, Baylor-Hopkins CMG, Baylor College of Medicine
Classification: Pathogenic for Hereditary spastic paraplegia 2. Review status: no assertion criteria provided. Collection method: research. Allele origin: unknown. Inheritance: X-linked inheritance. Affected: yes. Observed: 1 variant allele.